The following is an entry in ClinVar:

NM_000135.4(FANCA):c.504A>G (p.Gln168=)

Gene: FANCA (FA complementation group A; minus strand). Cytogenetic location: 16q24.3.
Variant type: single nucleotide variant.
Coding change: c.504A>G on transcript NM_000135.4 (MANE Select); coding-DNA position 504, A replaced by G.
Protein change: p.Gln168=; no amino-acid change (glutamine 168 retained).
Molecular consequence: synonymous variant. On other transcripts: intron variant (1).
Genome position (GRCh38, 1-based): chr16:89,810,725, T>C on the plus strand (A>G on the coding strand, the complement: FANCA is on the minus strand). VCF-style: chr16-89810725-T-C. GRCh37 (hg19) VCF-style: chr16-89877133-T-C.
Other names: c.504A>G, p.Gln168= (NM_001018112.3, NM_001286167.3); c.426+204A>G (NM_001351830.2).
Identifiers: ClinVar variation 2630617 (VCV002630617.4), dbSNP rs2040844773, ClinGen allele CA497379561.

ClinVar aggregate classification (germline): Conflicting classifications of pathogenicity. Review status: criteria provided, conflicting classifications (1 of 4 stars). 2 submissions from 2 submitters: Uncertain significance (1); Likely benign (1). Last evaluated 2024-01-04.

Conditions:
FANCA-related disorder. Also called: FANCA-related condition.
Fanconi anemia (FA). Also called: Fanconi's anemia. Identifiers: Orphanet 84, MedGen C0015625, MeSH D005199, MONDO:0019391.

Allele frequency attached by ClinVar (database versions not stated): gnomAD exomes below 0.00001; gnomAD 0.00001.
gnomAD v4.1: 5 of 1,610,428 alleles (0.00031%); highest among the groups gnomAD compares: East Asian, 0.0022%; no homozygotes.

Submissions (2):

Labcorp Genetics (formerly Invitae), Labcorp
Classification: Likely benign for Fanconi anemia. Last evaluated: 2024-01-04. Review status: criteria provided, single submitter. Criteria: Invitae Variant Classification Sherloc (09022015). Collection method: clinical testing. Allele origin: germline.

PreventionGenetics, part of Exact Sciences
Classification: Uncertain significance for FANCA-related condition. Last evaluated: 2023-02-07. Review status: criteria provided, single submitter. Criteria: ACMG Guidelines, 2015. Collection method: clinical testing. Allele origin: germline.
Comment: The FANCA c.504A>G variant is not predicted to result in an amino acid change (p.=). which is not predicted to result in an amino acid change (p.=), but it is predicted to interfere with splicing. To our knowledge, this variant has not been reported in the literature or in a large population database, indicating this variant is rare. At this time, the clinical significance of this variant is uncertain due to the absence of conclusive functional and genetic evidence.